The following is an entry in ClinVar:

ClinVar aggregate classification (germline): Uncertain significance. Review status: criteria provided, multiple submitters, no conflicts (2 of 4 stars). 2 submissions from 2 submitters: Uncertain significance (2). Last evaluated 2025-06-07.

gnomAD v4.1: 3 of 1,609,282 alleles (0.00019%); highest among the groups gnomAD compares: Non-Finnish European, 0.00025%; no homozygotes.

Submissions (2):

Labcorp Genetics (formerly Invitae), Labcorp
Classification: Uncertain significance. Last evaluated: 2025-06-07. Review status: criteria provided, single submitter. Criteria: Invitae Variant Classification Sherloc (09022015). Collection method: clinical testing. Allele origin: germline.
Comment: This sequence change replaces alanine, which is neutral and non-polar, with valine, which is neutral and non-polar, at codon 293 of the LIG1 protein (p.Ala293Val). This variant is not present in population databases (gnomAD no frequency). This variant has not been reported in the literature in individuals affected with LIG1-related conditions. ClinVar contains an entry for this variant (Variation ID: 3290646). An algorithm developed to predict the effect of missense changes on protein structure and function (PolyPhen-2) suggests that this variant is likely to be disruptive. In summary, the available evidence is currently insufficient to determine the role of this variant in disease. Therefore, it has been classified as a Variant of Uncertain Significance.

Ambry Genetics
Classification: Uncertain significance. Last evaluated: 2024-03-25. Review status: criteria provided, single submitter. Criteria: Ambry Variant Classification Scheme 2023. Collection method: clinical testing. Allele origin: germline.

NM_000234.3(LIG1):c.878C>T (p.Ala293Val)

Gene: LIG1 (DNA ligase 1; minus strand). Cytogenetic location: 19q13.33.
Variant type: single nucleotide variant.
Coding change: c.878C>T on transcript NM_000234.3 (MANE Select); coding-DNA position 878, C replaced by T.
Protein change: p.Ala293Val; replaces alanine 293 with valine.
Molecular consequence: missense variant. On other transcripts: non-coding transcript variant (6).
Genome position (GRCh38, 1-based): chr19:48,143,579, G>A on the plus strand (C>T on the coding strand, the complement: LIG1 is on the minus strand). VCF-style: chr19-48143579-G-A. GRCh37 (hg19) VCF-style: chr19-48646836-G-A.
Other names: c.785C>T, p.Ala262Val (NM_001289063.2); c.674C>T, p.Ala225Val (NM_001289064.2); c.875C>T, p.Ala292Val (NM_001320970.2); c.788C>T, p.Ala263Val (NM_001320971.2); short protein forms A293V, A292V, A262V, A225V, A263V.
Identifiers: ClinVar variation 3290646 (VCV003290646.2).